The following is an entry in ClinVar:

NM_003776.4(MRPL40):c.74C>G (p.Thr25Arg)

Gene: MRPL40 (mitochondrial ribosomal protein L40; plus strand). Cytogenetic location: 22q11.21.
Variant type: single nucleotide variant.
Coding change: c.74C>G on transcript NM_003776.4 (MANE Select); coding-DNA position 74, C replaced by G.
Protein change: p.Thr25Arg; replaces threonine 25 with arginine.
Molecular consequence: missense variant. On other transcripts: 5 prime UTR variant (1).
Genome position (GRCh38, 1-based): chr22:19,433,285, C>G. VCF-style: chr22-19433285-C-G. GRCh37 (hg19) VCF-style: chr22-19420808-C-G.
Other names: c.-59C>G (NM_001318151.2); short protein forms T25R.
Identifiers: ClinVar variation 2997290 (VCV002997290.3), dbSNP rs778609299, ClinGen allele CA10100121.

ClinVar aggregate classification (germline): Uncertain significance (1 of 4 stars; one submission).

gnomAD v4.1: 3 of 1,612,172 alleles (0.00019%); highest among the groups gnomAD compares: Non-Finnish European, 0.00025%; no homozygotes.

Submission:

Labcorp Genetics (formerly Invitae), Labcorp
Classification: Uncertain significance. Last evaluated: 2023-10-27. Review status: criteria provided, single submitter. Criteria: Invitae Variant Classification Sherloc (09022015). Collection method: clinical testing. Allele origin: germline.
Comment: This sequence change replaces threonine, which is neutral and polar, with arginine, which is basic and polar, at codon 25 of the MRPL40 protein (p.Thr25Arg). This variant is present in population databases (rs778609299, gnomAD 0.0009%). This variant has not been reported in the literature in individuals affected with MRPL40-related conditions. Algorithms developed to predict the effect of missense changes on protein structure and function output the following: SIFT: "Not Available"; PolyPhen-2: "Benign"; Align-GVGD: "Not Available". The arginine amino acid residue is found in multiple mammalian species, which suggests that this missense change does not adversely affect protein function. In summary, the available evidence is currently insufficient to determine the role of this variant in disease. Therefore, it has been classified as a Variant of Uncertain Significance.